The following is an entry in ClinVar:

ClinVar aggregate classification (germline): Uncertain significance. Review status: criteria provided, multiple submitters, no conflicts (2 of 4 stars). 2 submissions from 2 submitters: Uncertain significance (2). Last evaluated 2025-07-16.

Conditions:
Hypertrophic cardiomyopathy. Also called: HYPERTROPHIC MYOCARDIOPATHY. Identifiers: Orphanet 217569, MedGen C0007194, MeSH D002312, MONDO:0005045, HP:0001639.

Allele frequency attached by ClinVar (database versions not stated): gnomAD exomes below 0.00001.

Submissions (2):

Labcorp Genetics (formerly Invitae), Labcorp
Classification: Uncertain significance for Hypertrophic cardiomyopathy. Last evaluated: 2025-07-16. Review status: criteria provided, single submitter. Criteria: Invitae Variant Classification Sherloc (09022015). Collection method: clinical testing. Allele origin: germline.
Comment: This sequence change replaces glutamic acid, which is acidic and polar, with lysine, which is basic and polar, at codon 370 of the MYH7 protein (p.Glu370Lys). This variant is not present in population databases (gnomAD no frequency). This missense change has been observed in individual(s) with hypertrophic cardiomyopathy (PMID: 33297573). ClinVar contains an entry for this variant (Variation ID: 858379). Invitae Evidence Modeling of protein sequence and biophysical properties (such as structural, functional, and spatial information, amino acid conservation, physicochemical variation, residue mobility, and thermodynamic stability) indicates that this missense variant is expected to disrupt MYH7 protein function with a positive predictive value of 95%. In summary, the available evidence is currently insufficient to determine the role of this variant in disease. Therefore, it has been classified as a Variant of Uncertain Significance.

Blueprint Genetics
Classification: Uncertain significance. Last evaluated: 2024-03-14. Review status: criteria provided, single submitter. Criteria: ACMG Guidelines, 2015. Collection method: clinical testing. Allele origin: germline.

Literature cited by the submitters: PubMed 33297573 (cited by Labcorp Genetics (formerly Invitae), Labcorp).

NM_000257.4(MYH7):c.1108G>A (p.Glu370Lys)

Gene: MYH7 (myosin heavy chain 7; minus strand). Cytogenetic location: 14q11.2.
Variant type: single nucleotide variant.
Coding change: c.1108G>A on transcript NM_000257.4 (MANE Select); coding-DNA position 1108, G replaced by A.
Protein change: p.Glu370Lys; replaces glutamic acid 370 with lysine.
Molecular consequence: missense variant.
Genome position (GRCh38, 1-based): chr14:23,429,805, C>T on the plus strand (G>A on the coding strand, the complement: MYH7 is on the minus strand). VCF-style: chr14-23429805-C-T. GRCh37 (hg19) VCF-style: chr14-23899014-C-T.
Other names: short protein forms E370K.
Identifiers: ClinVar variation 858379 (VCV000858379.11), dbSNP rs1892853470, ClinGen allele CA389051340.
Genomic context (GRCh38, chr14:23,429,805, plus strand): 5'-CAGCTGCCCCCAAGAATCCCTGCCTCCCACCTTCAGTGCCGTCTGGCTCCGCCTGCTCCT[C>T]CCGCTGCTTCAGCTTGAACTTCATGTTTCCAAAGTGCATGATGGCGCCTGTCAGCTTATA-3'
Protein context (NP_000248.2, residues 360-380): GNMKFKLKQR[Glu370Lys]EQAEPDGTEE